The following is an entry in ClinVar:

ClinVar aggregate classification (germline): Pathogenic/Likely pathogenic. Review status: criteria provided, multiple submitters, no conflicts (2 of 4 stars). 17 submissions from 17 submitters: Pathogenic (11); Likely pathogenic (5). 1 of the submissions does not count toward it. Last evaluated 2026-06-29.

Conditions:
Oculocutaneous albinism type 1A (OCA1A). Also called: Albinism, oculocutaneous, type IA. Identifiers: Orphanet 352731, Orphanet 79431, MedGen C4551504, MONDO:0008745, OMIM 203100. Disease mechanism: loss of function.
Oculocutaneous albinism type 1B (OCA1B). Also called: YELLOW ALBINISM; ALBINISM, OCULOCUTANEOUS, TYPE IB; ALBINISM, YELLOW MUTANT TYPE. Identifiers: Orphanet 352731, Orphanet 352737, Orphanet 79434, MedGen C1847024, MONDO:0011749, OMIM 606952.
SKIN/HAIR/EYE PIGMENTATION 3, LIGHT/DARK SKIN (SHEP3). Also called: EYE COLOR 1; EYE COLOR, GREEN/BLUE; SKIN/HAIR/EYE PIGMENTATION 3, BLUE/GREEN EYE COLOR; SKIN/HAIR/EYE PIGMENTATION 3, FRECKLING; SKIN/HAIR/EYE PIGMENTATION, VARIATION IN, 3. Identifiers: MedGen C2677190, OMIM 601800.
TYR-related disorder. Also called: TYR-related condition.
Oculocutaneous albinism. Identifiers: Orphanet 55, MedGen C0078918, MONDO:0018910.

Allele frequency attached by ClinVar (database versions not stated): TOPMed 0.00016; ESP Exome Variant Server 0.00031; gnomAD 0.00143.
gnomAD v4.1: 358 of 1,612,568 alleles (0.022%); highest among the groups gnomAD compares: Non-Finnish European, 0.021%; 1 homozygote.

Submissions 1 to 12 of 17:

PreventionGenetics, part of Exact Sciences
Classification: Pathogenic for TYR-related condition. Last evaluated: 2026-06-29. Review status: criteria provided, single submitter. Criteria: ACMG Guidelines, 2015. Collection method: clinical testing. Allele origin: germline.
Comment: The TYR c.650G>A variant is predicted to result in the amino acid substitution p.Arg217Gln. This variant has been reported in many individuals with oculocutaneous albinism (see for examples: Oetting et al. 1993. PubMed ID: 8477259; Marti et al. 2017. PubMed ID: 28976636; Nathan et al. 2019. PubMed ID: 31233279). Alternate substitutions of this amino acid residue (p.Arg217Trp, p.Arg217Gly, p.Arg217Pro) have also been reported in individuals with oculocutaneous albinism (Tripathi et al. 1992. PubMed ID: 1642278, Spritz et al. 1997. PubMed ID: 9259202; Wei et al. 2022. PubMed ID: 34838614). This variant is present in 0.061% of alleles in individuals of European (Non-Finnish) descent in gnomAD. This variant is interpreted as pathogenic.

CeGaT Center for Human Genetics Tuebingen
Classification: Pathogenic. Last evaluated: 2026-04-01. Review status: criteria provided, single submitter. Criteria: CeGaT Center For Human Genetics Tuebingen Variant Classification Criteria Version 2. Collection method: clinical testing. Allele origin: germline. Affected: yes. Observed: 14 variant alleles.
Comment: TYR: PM3:Very Strong, PM1, PM2, PM5, PP4

Labcorp Genetics (formerly Invitae), Labcorp
Classification: Pathogenic. Last evaluated: 2026-01-28. Review status: criteria provided, single submitter. Criteria: Invitae Variant Classification Sherloc (09022015). Collection method: clinical testing. Allele origin: germline.
Comment: This sequence change replaces arginine, which is basic and polar, with glutamine, which is neutral and polar, at codon 217 of the TYR protein (p.Arg217Gln). This variant is present in population databases (rs61754365, gnomAD 0.06%). This missense change has been observed in individual(s) with oculocutaneous albinism (PMID: 10987646, 28976636, 29345414). In at least one individual the data is consistent with being in trans (on the opposite chromosome) from a pathogenic variant. ClinVar contains an entry for this variant (Variation ID: 99575). Invitae Evidence Modeling of protein sequence and biophysical properties (such as structural, functional, and spatial information, amino acid conservation, physicochemical variation, residue mobility, and thermodynamic stability) has been performed for this missense variant. However, the output from this modeling did not meet the statistical confidence thresholds required to predict the impact of this variant on TYR protein function. This variant disrupts the p.Arg217 amino acid residue in TYR. Other variant(s) that disrupt this residue have been determined to be pathogenic (PMID: 1642278, 10987646, 27734839, 28266639). This suggests that this residue is clinically significant, and that variants that disrupt this residue are likely to be disease-causing. For these reasons, this variant has been classified as Pathogenic.

GeneDx
Classification: Pathogenic. Last evaluated: 2025-05-08. Review status: criteria provided, single submitter. Criteria: GeneDx Variant Classification Process June 2021. Collection method: clinical testing. Allele origin: germline. Affected: yes.
Comment: In silico analysis suggests that this missense variant does not alter protein structure/function; This variant is associated with the following publications: (PMID: 34897530, 32966289, 8477259, 13680365, 19208379, 28976636, 28451379, 18463683, 31233279, 16170149, 19060277, 28629449, 31980526, 33050356, 34426522, 31589614, 34838614, 9259202)

Laboratory of Genetics, Children's Clinical University Hospital Latvia
Classification: Pathogenic. Last evaluated: 2025-02-16. Review status: criteria provided, single submitter. Criteria: ACMG Guidelines, 2015. Collection method: clinical testing. Allele origin: germline. Affected: yes.

Laboratory of Genetic Epidemiology, Research Centre for Medical Genetics
Classification: Likely pathogenic for Oculocutaneous albinism type 1A; Oculocutaneous albinism type 1B. Last evaluated: 2025-01-01. Review status: criteria provided, single submitter. Criteria: ACMG Guidelines, 2015. Collection method: clinical testing. Allele origin: paternal. Inheritance: Autosomal recessive inheritance. Affected: yes. Observed: 1 compound heterozygote.
Comment: The missense variant NM_000372.5:c.650G>A, p.(Arg217Gln) was identified in 45 probands diagnosed with albinism, for 12 of them in homozygous state, for others in compound heterozygous state with pathogenic variant. This variant has been previously reported in the literature multiple times (PMIDs: 29345414, 28976636, 28266639, 27734839) and is listed in gnomAD v3.1.2. with allele frequency 0.0006 (43/68024, none in homozygous stage). The affected amino acid position is evolutionarily conserved and located in close proximity to the highly conservative residue that is important for maintaining a three -dimensional structure (Trp218 and Glu219) (PMID: 12028580). Multiple in silico prediction tools support a deleterious effect. The variant NM_000372.5:c.650G>A, p.(Arg217Gln) was identified with significantly population frequency in the Russia by The National Genetic Initiative “100 000+Me” (0.002; 213/85438) compared to other ethnic groups (gnomAD). Taken together, the variant meets the following ACMG/AMP criteria and can be classified as likely pathogenic with PM2, PP3, PM3, PP5, PP4 criteria.

Blueprint Genetics
Classification: Pathogenic for TYR-related disorders. Last evaluated: 2024-10-23. Review status: criteria provided, single submitter. Criteria: ACMG Guidelines, 2015. Collection method: clinical testing. Allele origin: germline. Affected: yes. Observed: 5 variant alleles.

Women's Health and Genetics/Laboratory Corporation of America, LabCorp
Classification: Pathogenic for Oculocutaneous albinism. Last evaluated: 2024-09-23. Review status: criteria provided, single submitter. Criteria: LabCorp Variant Classification Summary - May 2015. Collection method: clinical testing. Allele origin: germline.
Comment: Variant summary: TYR c.650G>A (p.Arg217Gln) results in a conservative amino acid change in the encoded protein sequence. Five of five in-silico tools predict a benign effect of the variant on protein function. The variant allele was found at a frequency of 0.00026 in 250834 control chromosomes (gnomAD). This frequency is not significantly higher than estimated for a pathogenic variant in TYR causing Oculocutaneous Albinism (0.00026 vs 0.0056), allowing no conclusion about variant significance. c.650G>A has been reported in the literature in multiple individuals affected with Oculocutaneous Albinism (King_2003, Oetting_2009). These data indicate that the variant is very likely to be associated with disease. To our knowledge, no experimental evidence demonstrating an impact on protein function has been reported. The following publications have been ascertained in the context of this evaluation (PMID: 13680365, 19208379). ClinVar contains an entry for this variant (Variation ID: 99575). Based on the evidence outlined above, the variant was classified as pathogenic.

Institute of Medical Genetics and Applied Genomics, University Hospital Tübingen
Classification: Likely pathogenic for Oculocutaneous albinism type 1A. Last evaluated: 2024-04-16. Review status: criteria provided, single submitter. Criteria: ACMG Guidelines, 2015. Collection method: clinical testing. Allele origin: germline. Inheritance: Autosomal recessive inheritance. Affected: yes.

Baylor Genetics
Classification: Pathogenic for SKIN/HAIR/EYE PIGMENTATION 3, LIGHT/DARK SKIN. Last evaluated: 2024-03-26. Review status: criteria provided, single submitter. Criteria: ACMG Guidelines, 2015. Collection method: clinical testing. Allele origin: unknown.

Fulgent Genetics
Classification: Likely pathogenic for Oculocutaneous albinism type 1A; SKIN/HAIR/EYE PIGMENTATION 3, LIGHT/DARK SKIN; Oculocutaneous albinism type 1B. Last evaluated: 2024-03-12. Review status: criteria provided, single submitter. Criteria: ACMG Guidelines, 2015. Collection method: clinical testing. Allele origin: germline.

3billion
Classification: Pathogenic for Oculocutaneous albinism type 1A. Last evaluated: 2023-07-03. Review status: criteria provided, single submitter. Criteria: ACMG Guidelines, 2015. Collection method: clinical testing. Allele origin: germline. Affected: yes.
Comment: The variant is observed at an extremely low frequency in the gnomAD v2.1.1 dataset (total allele frequency: 0.039%). Predicted Consequence/Location: Missense variant In silico tool predictions suggest the damaging effect of the variant on the gene or gene product (REVEL: 0.55; 3Cnet: 0.90). The same nucleotide change resulting in the same amino acid change (ClinVar ID: VCV000099575 /PMID: 8477259) and different missense changes at the same codon (p.Arg217Gly, p.Arg217Pro, p.Arg217Ser, p.Arg217Trp / ClinVar ID: VCV000003795, VCV000099573 /PMID: 15146472, 1642278, 34838614, 9259202) have been previously reported as pathogenic/likely pathogenic with strong evidence.The variant has been reported to be in trans with a pathogenic variant as either compound heterozygous or homozygous in at least 2 similarly affected unrelated individuals (PMID: 18463683, 27734839). Therefore, this variant is classified as Pathogenic according to the recommendation of ACMG/AMP guideline.

NM_000372.5(TYR):c.650G>A (p.Arg217Gln)

Gene: TYR (tyrosinase; plus strand). Cytogenetic location: 11q14.3.
Variant type: single nucleotide variant.
Coding change: c.650G>A on transcript NM_000372.5 (MANE Select); coding-DNA position 650, G replaced by A.
Protein change: p.Arg217Gln; replaces arginine 217 with glutamine.
Molecular consequence: missense variant.
Genome position (GRCh38, 1-based): chr11:89,178,603, G>A. VCF-style: chr11-89178603-G-A. GRCh37 (hg19) VCF-style: chr11-88911771-G-A.
Other names: short protein forms R217Q.
Identifiers: ClinVar variation 99575 (VCV000099575.68), dbSNP rs61754365, ClinGen allele CA227580.